The following is an entry in ClinVar:

NM_002528.7(NTHL1):c.429G>C (p.Met143Ile)

Gene: NTHL1 (nth like DNA glycosylase 1; minus strand). Cytogenetic location: 16p13.3.
Variant type: single nucleotide variant.
Coding change: c.429G>C on transcript NM_002528.7 (MANE Select); coding-DNA position 429, G replaced by C.
Protein change: p.Met143Ile; replaces methionine 143 with isoleucine.
Molecular consequence: missense variant. On other transcripts: intron variant (1).
Genome position (GRCh38, 1-based): chr16:2,044,726, C>G on the plus strand (G>C on the coding strand, the complement: NTHL1 is on the minus strand). VCF-style: chr16-2044726-C-G. GRCh37 (hg19) VCF-style: chr16-2094727-C-G.
Other names: c.99G>C, p.Met33Ile (NM_001318194.2); c.355-1000G>C (NM_001318193.2); short protein forms M143I, M33I.
Identifiers: ClinVar variation 1384117 (VCV001384117.6), dbSNP rs1461262968, ClinGen allele CA394294373.

ClinVar aggregate classification (germline): Uncertain significance (1 of 4 stars; one submission).

Allele frequency attached by ClinVar (database versions not stated): gnomAD exomes below 0.00001.

Submission:

Labcorp Genetics (formerly Invitae), Labcorp
Classification: Uncertain significance. Last evaluated: 2021-09-29. Review status: criteria provided, single submitter. Criteria: Invitae Variant Classification Sherloc (09022015). Collection method: clinical testing. Allele origin: germline.
Comment: Algorithms developed to predict the effect of missense changes on protein structure and function are either unavailable or do not agree on the potential impact of this missense change (SIFT: "Not Available"; PolyPhen-2: "Benign"; Align-GVGD: "Not Available"). This variant has not been reported in the literature in individuals affected with NTHL1-related conditions. This variant is not present in population databases (ExAC no frequency). This sequence change replaces methionine with isoleucine at codon 151 of the NTHL1 protein (p.Met151Ile). The methionine residue is highly conserved and there is a small physicochemical difference between methionine and isoleucine. In summary, the available evidence is currently insufficient to determine the role of this variant in disease. Therefore, it has been classified as a Variant of Uncertain Significance.